The following is an entry in ClinVar:

ClinVar aggregate classification (germline): Uncertain significance (1 of 4 stars; one submission).

Conditions:
Wilms tumor 1 (WT1). Also called: Wilms tumor, somatic. Identifiers: Orphanet 654, MedGen CN033288, MONDO:0008679, OMIM 194070.

Submission:

Labcorp Genetics (formerly Invitae), Labcorp
Classification: Uncertain significance for Wilms tumor 1. Last evaluated: 2025-10-01. Review status: criteria provided, single submitter. Criteria: Invitae Variant Classification Sherloc (09022015). Collection method: clinical testing. Allele origin: germline.
Comment: This sequence change replaces serine, which is neutral and polar, with cysteine, which is neutral and slightly polar, at codon 385 of the GPC3 protein (p.Ser385Cys). This variant is not present in population databases (gnomAD no frequency). This variant has not been reported in the literature in individuals affected with GPC3-related conditions. Invitae Evidence Modeling of protein sequence and biophysical properties (such as structural, functional, and spatial information, amino acid conservation, physicochemical variation, residue mobility, and thermodynamic stability) indicates that this missense variant is expected to disrupt GPC3 protein function with a positive predictive value of 80%. In summary, the available evidence is currently insufficient to determine the role of this variant in disease. Therefore, it has been classified as a Variant of Uncertain Significance.

NM_004484.4(GPC3):c.1154C>G (p.Ser385Cys)

Gene: GPC3 (glypican 3; minus strand). Cytogenetic location: Xq26.2.
Variant type: single nucleotide variant.
Coding change: c.1154C>G on transcript NM_004484.4 (MANE Select); coding-DNA position 1154, C replaced by G.
Protein change: p.Ser385Cys; replaces serine 385 with cysteine.
Molecular consequence: missense variant.
Genome position (GRCh38, 1-based): chrX:133,699,907, G>C on the plus strand (C>G on the coding strand, the complement: GPC3 is on the minus strand). VCF-style: chrX-133699907-G-C. GRCh37 (hg19) VCF-style: chrX-132833935-G-C.
Other names: c.1223C>G, p.Ser408Cys (NM_001164617.2); c.1106C>G, p.Ser369Cys (NM_001164618.2); c.992C>G, p.Ser331Cys (NM_001164619.2); short protein forms S408C, S331C, S369C, S385C.
Identifiers: ClinVar variation 4748599 (VCV004748599.1).